The following is an entry in ClinVar:

NM_004655.4(AXIN2):c.2180C>T (p.Ser727Leu)

Gene: AXIN2 (axin 2; minus strand). Cytogenetic location: 17q24.1.
Variant type: single nucleotide variant.
Coding change: c.2180C>T on transcript NM_004655.4 (MANE Select); coding-DNA position 2180, C replaced by T.
Protein change: p.Ser727Leu; replaces serine 727 with leucine.
Molecular consequence: missense variant.
Genome position (GRCh38, 1-based): chr17:65,535,683, G>A on the plus strand (C>T on the coding strand, the complement: AXIN2 is on the minus strand). VCF-style: chr17-65535683-G-A. GRCh37 (hg19) VCF-style: chr17-63531801-G-A.
Other names: c.2180C>T (LRG_296t1); c.1985C>T, p.Ser662Leu (NM_001363813.1); short protein forms S727L, S662L.
Identifiers: ClinVar variation 663154 (VCV000663154.15), dbSNP rs200460573, ClinGen allele CA293097608.
Genomic context (GRCh38, chr17:65,535,683, plus strand): 5'-CACTCTTCTGGAGCCAGGCTTGGATTGGAGAAGGGTGTGGCTCCCGTCTGAACAGTGGCC[G>A]AATGATTCCTGTCCCTCTGCTGACTGGCCACACAGCACCTGAGGACACAGCCAGGGCGAG-3'
Protein context (NP_004646.3, residues 717-737): VASQQRDRNH[Ser727Leu]ATVQTGATPF

ClinVar aggregate classification (germline): Uncertain significance. Review status: criteria provided, multiple submitters, no conflicts (2 of 4 stars). 5 submissions from 5 submitters: Uncertain significance (5). Last evaluated 2026-09-15.

Conditions:
Oligodontia-cancer predisposition syndrome. Also called: TOOTH AGENESIS-COLORECTAL CANCER SYNDROME. Identifiers: Orphanet 300576, MedGen C1837750, MONDO:0012075, OMIM 608615. Disease mechanism: loss of function.
AXIN2-related disorder.
Hereditary cancer-predisposing syndrome. Also called: Tumor predisposition; Hereditary neoplastic syndrome; Hereditary Cancer Syndrome; Neoplastic Syndromes, Hereditary. Identifiers: Orphanet 140162, MedGen C0027672, MeSH D009386, MONDO:0015356.

Allele frequency attached by ClinVar (database versions not stated): gnomAD exomes below 0.00001 and 0.00001; gnomAD 0.00003; TOPMed 0.00003.
gnomAD v4.1: 22 of 1,614,050 alleles (0.0014%); highest among the groups gnomAD compares: East Asian, 0.011%; no homozygotes.

Submissions (5):

PreventionGenetics, part of Exact Sciences
Classification: Uncertain significance for AXIN2-related condition. Last evaluated: 2026-09-15. Review status: criteria provided, single submitter. Criteria: ACMG Guidelines, 2015. Collection method: clinical testing. Allele origin: germline.
Comment: The AXIN2 c.2180C>T variant is predicted to result in the amino acid substitution p.Ser727Leu. To our knowledge, this variant has not been reported in the literature. This variant is reported in 0.00088% of alleles in individuals of European (Non-Finnish) descent in gnomAD. This variant is interpreted as uncertain in ClinVar (Variation ID: 663154). At this time, the clinical significance of this variant is uncertain due to the absence of conclusive functional and genetic evidence.

Labcorp Genetics (formerly Invitae), Labcorp
Classification: Uncertain significance for Oligodontia-cancer predisposition syndrome. Last evaluated: 2025-12-08. Review status: criteria provided, single submitter. Criteria: Invitae Variant Classification Sherloc (09022015). Collection method: clinical testing. Allele origin: germline.
Comment: This sequence change replaces serine, which is neutral and polar, with leucine, which is neutral and non-polar, at codon 727 of the AXIN2 protein (p.Ser727Leu). This variant is present in population databases (rs200460573, gnomAD 0.0009%). This variant has not been reported in the literature in individuals affected with AXIN2-related conditions. ClinVar contains an entry for this variant (Variation ID: 663154). An algorithm developed to predict the effect of missense changes on protein structure and function outputs the following: PolyPhen-2: "Benign". The leucine amino acid residue is found in multiple mammalian species, which suggests that this missense change does not adversely affect protein function. In summary, the available evidence is currently insufficient to determine the role of this variant in disease. Therefore, it has been classified as a Variant of Uncertain Significance.

Ambry Genetics
Classification: Uncertain significance for Hereditary cancer-predisposing syndrome. Last evaluated: 2024-07-09. Review status: criteria provided, single submitter. Criteria: Ambry Variant Classification Scheme 2023. Collection method: clinical testing. Allele origin: germline.
Comment: The p.S727L variant (also known as c.2180C>T), located in coding exon 8 of the AXIN2 gene, results from a C to T substitution at nucleotide position 2180. The serine at codon 727 is replaced by leucine, an amino acid with dissimilar properties. This amino acid position is poorly conserved in available vertebrate species. In addition, this alteration is predicted to be tolerated by in silico analysis. Since supporting evidence is limited at this time, the clinical significance of this alteration remains unclear.

Quest Diagnostics Nichols Institute San Juan Capistrano
Classification: Uncertain significance. Last evaluated: 2024-04-18. Review status: criteria provided, single submitter. Criteria: Quest Diagnostics criteria. Collection method: clinical testing. Allele origin: unknown.
Comment: The AXIN2 c.2180C>T (p.Ser727Leu) variant has not been reported in individuals with AXIN2-related conditions in the published literature. The frequency of this variant in the general population, 0.000004 (1/251386 chromosomes (Genome Aggregation Database)), is uninformative in the assessment of its pathogenicity. Analysis of this variant using bioinformatics tools for the prediction of the effect of amino acid changes on protein structure and function yielded predictions that this variant is benign. Based on the available information, we are unable to determine the clinical significance of this variant.

GeneDx
Classification: Uncertain significance. Last evaluated: 2023-12-03. Review status: criteria provided, single submitter. Criteria: GeneDx Variant Classification Process June 2021. Collection method: clinical testing. Allele origin: germline. Affected: yes.
Comment: Not observed at significant frequency in large population cohorts (gnomAD); In silico analysis supports that this missense variant does not alter protein structure/function; Has not been previously published as pathogenic or benign to our knowledge; This variant is associated with the following publications: (PMID: 28481359)